The following is an entry in ClinVar:

NM_006904.7(PRKDC):c.2269A>C (p.Lys757Gln)

Gene: PRKDC (protein kinase, DNA-activated, catalytic subunit; minus strand). Cytogenetic location: 8q11.21.
Variant type: single nucleotide variant.
Coding change: c.2269A>C on transcript NM_006904.7 (MANE Select); coding-DNA position 2269, A replaced by C.
Protein change: p.Lys757Gln; replaces lysine 757 with glutamine.
Molecular consequence: missense variant.
Genome position (GRCh38, 1-based): chr8:47,927,344, T>G on the plus strand (A>C on the coding strand, the complement: PRKDC is on the minus strand). VCF-style: chr8-47927344-T-G. GRCh37 (hg19) VCF-style: chr8-48839904-T-G.
Other names: c.2269A>C, p.Lys757Gln (NM_001081640.2); short protein forms K757Q.
Identifiers: ClinVar variation 1788729 (VCV001788729.2), dbSNP rs768873783, ClinGen allele CA4741476.

ClinVar aggregate classification (germline): Uncertain significance (1 of 4 stars; one submission).

Allele frequency attached by ClinVar (database versions not stated): ExAC 0.00001; gnomAD exomes 0.00001.
gnomAD v4.1: 7 of 1,610,958 alleles (0.00043%); highest among the groups gnomAD compares: Non-Finnish European, 0.00059%; no homozygotes.

Submission:

Ambry Genetics
Classification: Uncertain significance. Last evaluated: 2022-04-07. Review status: criteria provided, single submitter. Criteria: Ambry Variant Classification Scheme 2023. Collection method: clinical testing. Allele origin: germline.
Comment: The p.K757Q variant (also known as c.2269A>C), located in coding exon 21 of the PRKDC gene, results from an A to C substitution at nucleotide position 2269. The lysine at codon 757 is replaced by glutamine, an amino acid with similar properties. This amino acid position is conserved. In addition, this alteration is predicted to be tolerated by in silico analysis. Since supporting evidence is limited at this time, the clinical significance of this alteration remains unclear.